The following is an entry in ClinVar:

NM_172245.4(CSF2RA):c.1006C>G (p.Leu336Val)

Gene: CSF2RA (colony stimulating factor 2 receptor subunit alpha; plus strand). Cytogenetic location: Xp22.33.
Variant type: single nucleotide variant.
Coding change: c.1006C>G on transcript NM_172245.4 (MANE Select); coding-DNA position 1006, C replaced by G.
Protein change: p.Leu336Val; replaces leucine 336 with valine.
Molecular consequence: missense variant. On other transcripts: non-coding transcript variant (1), intron variant (7).
Genome position (GRCh38, 1-based): chrX:1,303,982, C>G. VCF-style: chrX-1303982-C-G. GRCh37 (hg19) VCF-style: chrX-1422875-C-G.
Other names: c.1006C>G, p.Leu336Val (NM_001161529.2, NM_001161531.2, NM_001379155.1 and 9 more transcripts); c.1108C>G, p.Leu370Val (NM_001161530.2, NM_001379153.1, NM_001379154.1); c.607C>G, p.Leu203Val (NM_001161532.2); c.976C>G, p.Leu326Val (NM_001379160.1); c.947-1464C>G (NM_001379167.1, NM_001379169.1, NM_172247.3 and 1 more transcripts); c.946+3356C>G (NM_172246.4); c.647-1464C>G (NM_172249.4); c.855-1464C>G (NM_001379166.1); short protein forms L336V, L370V, L203V, L326V.
Identifiers: ClinVar variation 575181 (VCV000575181.6), dbSNP rs143480669, ClinGen allele CA325924594.

ClinVar aggregate classification (germline): Uncertain significance. Review status: criteria provided, multiple submitters, no conflicts (2 of 4 stars). 2 submissions from 2 submitters: Uncertain significance (2). Last evaluated 2022-09-19.

Conditions:
Surfactant metabolism dysfunction, pulmonary, 4 (SMDP4). Also called: PAP DUE TO CSF2RA DEFICIENCY; PULMONARY ALVEOLAR PROTEINOSIS, CONGENITAL, 4; CSF2RA DEFICIENCY. Identifiers: Orphanet 264675, MedGen C2677877, MONDO:0010424, OMIM 300770.

Allele frequency attached by ClinVar (database versions not stated): TOPMed 0.00001; ESP Exome Variant Server 0.00008.
gnomAD v4.1: 14 of 1,613,002 alleles (0.00087%); highest among the groups gnomAD compares: Middle Eastern, 0.016%; no homozygotes.

Submissions (2):

Labcorp Genetics (formerly Invitae), Labcorp
Classification: Uncertain significance for Surfactant metabolism dysfunction, pulmonary, 4. Last evaluated: 2022-09-19. Review status: criteria provided, single submitter. Criteria: Invitae Variant Classification Sherloc (09022015). Collection method: clinical testing. Allele origin: germline.
Comment: This sequence change replaces leucine, which is neutral and non-polar, with valine, which is neutral and non-polar, at codon 336 of the CSF2RA protein (p.Leu336Val). This variant is present in population databases (no rsID available, gnomAD 0.002%). This variant has not been reported in the literature in individuals affected with CSF2RA-related conditions. ClinVar contains an entry for this variant (Variation ID: 575181). Advanced modeling of protein sequence and biophysical properties (such as structural, functional, and spatial information, amino acid conservation, physicochemical variation, residue mobility, and thermodynamic stability) performed at Invitae indicates that this missense variant is not expected to disrupt CSF2RA protein function. In summary, the available evidence is currently insufficient to determine the role of this variant in disease. Therefore, it has been classified as a Variant of Uncertain Significance.

Breakthrough Genomics
Classification: Uncertain significance. Review status: criteria provided, single submitter. Criteria: ACMG Guidelines, 2015. Collection method: not provided. Allele origin: germline. Inheritance: Unknown mechanism. Affected: yes.